The following is an entry in ClinVar:

ClinVar aggregate classification (germline): Uncertain significance. Review status: criteria provided, multiple submitters, no conflicts (2 of 4 stars). 2 submissions from 2 submitters: Uncertain significance (2). Last evaluated 2025-10-23.

Conditions:
Inborn genetic diseases. Identifiers: MedGen C0950123, MeSH D030342.

Allele frequency attached by ClinVar (database versions not stated): gnomAD exomes 0.00001; ExAC 0.00002; TOPMed 0.00002.
gnomAD v4.1: 5 of 1,613,050 alleles (0.00031%); highest among the groups gnomAD compares: Admixed American, 0.0083%; no homozygotes.

Submissions (2):

Labcorp Genetics (formerly Invitae), Labcorp
Classification: Uncertain significance. Last evaluated: 2025-10-23. Review status: criteria provided, single submitter. Criteria: Invitae Variant Classification Sherloc (09022015). Collection method: clinical testing. Allele origin: germline.
Comment: This sequence change replaces alanine, which is neutral and non-polar, with aspartic acid, which is acidic and polar, at codon 28 of the FGF23 protein (p.Ala28Asp). This variant is present in population databases (rs780318302, gnomAD 0.01%). This variant has not been reported in the literature in individuals affected with FGF23-related conditions. ClinVar contains an entry for this variant (Variation ID: 2380375). Invitae Evidence Modeling of protein sequence and biophysical properties (such as structural, functional, and spatial information, amino acid conservation, physicochemical variation, residue mobility, and thermodynamic stability) has been performed for this missense variant. However, the output from this modeling did not meet the statistical confidence thresholds required to predict the impact of this variant on FGF23 protein function. In summary, the available evidence is currently insufficient to determine the role of this variant in disease. Therefore, it has been classified as a Variant of Uncertain Significance.

Ambry Genetics
Classification: Uncertain significance for Inborn genetic diseases. Last evaluated: 2022-07-12. Review status: criteria provided, single submitter. Criteria: Ambry Variant Classification Scheme 2023. Collection method: clinical testing. Allele origin: germline.

NM_020638.3(FGF23):c.83C>A (p.Ala28Asp)

Gene: FGF23 (fibroblast growth factor 23; minus strand). Cytogenetic location: 12p13.32.
Variant type: single nucleotide variant.
Coding change: c.83C>A on transcript NM_020638.3 (MANE Select); coding-DNA position 83, C replaced by A.
Protein change: p.Ala28Asp; replaces alanine 28 with aspartic acid.
Molecular consequence: missense variant.
Genome position (GRCh38, 1-based): chr12:4,379,500, G>T on the plus strand (C>A on the coding strand, the complement: FGF23 is on the minus strand). VCF-style: chr12-4379500-G-T. GRCh37 (hg19) VCF-style: chr12-4488666-G-T.
Other names: c.83C>A (NM_020638.2); short protein forms A28D.
Identifiers: ClinVar variation 2380375 (VCV002380375.8), dbSNP rs780318302, ClinGen allele CA6395783.
Genomic context (GRCh38, chr12:4,379,500, plus strand): 5'-CTGGCTGTGGCTGTGTACAGGTGGATCAGGCCACCCCAGCTGGAGCCGAGCAGTGGGGAG[G>T]CATTGGGATAGGCTCTGAGGACGCTCATGCTGCAGACGCTGCACAAGGCACAGACCCAGA-3'
Protein context (NP_065689.1, residues 18-38): SMSVLRAYPN[Ala28Asp]SPLLGSSWGG